The following is an entry in ClinVar:

ClinVar aggregate classification (germline): Pathogenic (1 of 4 stars; one submission).

Conditions:
MEGF10-related myopathy (CMYO10A). Also called: Congenital myopathy 10A, severe variant. Identifiers: Orphanet 439212, MedGen C3280679, MONDO:0013731, OMIM 614399.

Submission:

Labcorp Genetics (formerly Invitae), Labcorp
Classification: Pathogenic for MEGF10-related myopathy. Last evaluated: 2025-08-24. Review status: criteria provided, single submitter. Criteria: Invitae Variant Classification Sherloc (09022015). Collection method: clinical testing. Allele origin: germline.
Comment: This sequence change creates a premature translational stop signal (p.Glu357*) in the MEGF10 gene. It is expected to result in an absent or disrupted protein product. Loss-of-function variants in MEGF10 are known to be pathogenic (PMID: 22101682, 22371254, 23453856, 23954233). This variant is not present in population databases (gnomAD no frequency). This variant has not been reported in the literature in individuals affected with MEGF10-related conditions. For these reasons, this variant has been classified as Pathogenic.

Literature cited by the submitters: PubMed 22101682; PubMed 22371254; PubMed 23453856; PubMed 23954233.

NM_001256545.2(MEGF10):c.1069G>T (p.Glu357Ter)

Gene: MEGF10 (multiple EGF like domains 10; plus strand). Cytogenetic location: 5q23.2.
Variant type: single nucleotide variant.
Coding change: c.1069G>T on transcript NM_001256545.2 (MANE Select); coding-DNA position 1069, G replaced by T.
Protein change: p.Glu357Ter; replaces glutamic acid 357 with a stop codon.
Molecular consequence: nonsense.
Genome position (GRCh38, 1-based): chr5:127,410,540, G>T. VCF-style: chr5-127410540-G-T. GRCh37 (hg19) VCF-style: chr5-126746232-G-T.
Other names: c.1069G>T, p.Glu357Ter (NM_001308119.2, NM_001308121.2, NM_032446.3); short protein forms E357*.
Identifiers: ClinVar variation 4725970 (VCV004725970.1).